The following is an entry in ClinVar:

NM_001282874.2(SMARCA1):c.543dup (p.Pro182fs)

Gene: SMARCA1 (SNF2 related chromatin remodeling ATPase 1; minus strand). Cytogenetic location: Xq26.1.
Variant type: Duplication.
Coding change: c.543dup on transcript NM_001282874.2 (MANE Select); coding-DNA position 543, one base duplicated (G; older notation c.543dupG).
Protein change: p.Pro182fs; shifts the reading frame from proline 182.
Molecular consequence: frameshift variant.
Genome position (GRCh38, 1-based): chrX:129,515,774, C duplicated on the plus strand (G on the coding strand, the reverse complement: SMARCA1 is on the minus strand); the first of 6 consecutive C bases (chrX:129,515,774-129,515,779); duplicating any one gives the same sequence. VCF-style (leftmost placement, unchanged base first): chrX-129515773-G-GC. GRCh37 (hg19) VCF-style: chrX-128649750-G-GC.
Other names: c.543dup, p.Pro182fs (NM_001282875.2, NM_001378261.1, NM_001378262.1 and 3 more transcripts); short protein forms P182fs.
Identifiers: ClinVar variation 3901139 (VCV003901139.1).

ClinVar aggregate classification (germline): Likely pathogenic (1 of 4 stars; one submission).

Conditions:
Neurodevelopmental disorder. Identifiers: MedGen C1535926, MeSH D065886, MONDO:0700092.

Submission:

Developmental Brain Disorders Lab, Seattle Children's Hospital
Classification: Likely pathogenic for Neurodevelopmental disorder. Last evaluated: 2025-05-01. Review status: criteria provided, single submitter. Criteria: ACMG Guidelines, 2015. Collection method: research. Allele origin: unknown. Affected: yes.
Comment: This variant is a nonsense variant in a gene where loss of function is a proposed mechanism of disease. It is absent in gnomAD v4.1.0. It meets ACMG variant classification criteria (PVS1, PM2) (PMID:25741868).